The following is an entry in ClinVar:

ClinVar aggregate classification (germline): Likely benign. Review status: criteria provided, multiple submitters, no conflicts (2 of 4 stars). 2 submissions from 2 submitters: Likely benign (2). Last evaluated 2025-02-16.

Allele frequency attached by ClinVar (database versions not stated): gnomAD 0.00001; gnomAD exomes 0.00001; TOPMed 0.00001; ExAC 0.00003.
gnomAD v4.1: 14 of 1,610,710 alleles (0.00087%); highest among the groups gnomAD compares: South Asian, 0.0044%; no homozygotes.

Submissions (2):

Laboratory of Genetics, Children's Clinical University Hospital Latvia
Classification: Likely benign. Last evaluated: 2025-02-16. Review status: criteria provided, single submitter. Criteria: ACMG Guidelines, 2015. Collection method: clinical testing. Allele origin: germline. Affected: yes.

GeneDx
Classification: Likely benign. Last evaluated: 2018-03-16. Review status: criteria provided, single submitter. Criteria: GeneDx Variant Classification (06012015). Collection method: clinical testing. Allele origin: germline. Affected: yes.
Comment: This variant is considered likely benign or benign based on one or more of the following criteria: it is a conservative change, it occurs at a poorly conserved position in the protein, it is predicted to be benign by multiple in silico algorithms, and/or has population frequency not consistent with disease.

NM_001267550.2(TTN):c.26481C>T (p.Leu8827=)

Gene: TTN (titin; minus strand). Cytogenetic location: 2q31.2.
Variant type: single nucleotide variant.
Coding change: c.26481C>T on transcript NM_001267550.2 (MANE Select); coding-DNA position 26481, C replaced by T.
Protein change: p.Leu8827=; no amino-acid change (leucine 8827 retained).
Molecular consequence: synonymous variant. On other transcripts: intron variant (3).
Genome position (GRCh38, 1-based): chr2:178,714,293, G>A on the plus strand (C>T on the coding strand, the complement: TTN is on the minus strand). VCF-style: chr2-178714293-G-A. GRCh37 (hg19) VCF-style: chr2-179579020-G-A.
Other names: c.25530C>T, p.Leu8510= (NM_001256850.1); c.22749C>T, p.Leu7583= (NM_133378.4); c.13282+23789C>T (NM_003319.4); c.13858+23789C>T (NM_133437.4); c.13657+23789C>T (NM_133432.3).
Identifiers: ClinVar variation 681094 (VCV000681094.2), dbSNP rs749525418, ClinGen allele CA1999998.